The following is an entry in ClinVar:

NM_000059.4(BRCA2):c.7495C>T (p.Gln2499Ter)

Gene: BRCA2 (BRCA2 DNA repair associated; plus strand). Cytogenetic location: 13q13.1.
Variant type: single nucleotide variant.
Coding change: c.7495C>T on transcript NM_000059.4 (MANE Select); coding-DNA position 7495, C replaced by T.
Protein change: p.Gln2499Ter; replaces glutamine 2499 with a stop codon.
Molecular consequence: nonsense.
Genome position (GRCh38, 1-based): chr13:32,356,487, C>T. VCF-style: chr13-32356487-C-T. GRCh37 (hg19) VCF-style: chr13-32930624-C-T.
Other names: 7723C>T; short protein forms Q2499*.
Identifiers: ClinVar variation 267014 (VCV000267014.14), dbSNP rs876660447, ClinGen allele CA10589431.
Genomic context (GRCh38, chr13:32,356,487, plus strand): 5'-GATTTAATTACAAGTCTTCAGAATGCCAGAGATATACAGGATATGCGAATTAAGAAGAAA[C>T]AAAGGCAACGCGTCTTTCCACAGCCAGGCAGTCTGTATCTTGCAAAAACATCCACTCTGC-3'

ClinVar aggregate classification (germline): Pathogenic. Review status: reviewed by expert panel (3 of 4 stars). 5 submissions from 5 submitters: Pathogenic (1). 4 of the submissions do not count toward it. Last evaluated 2016-10-18.

Conditions:
Hereditary cancer-predisposing syndrome. Also called: Hereditary neoplastic syndrome; Neoplastic Syndromes, Hereditary; Tumor predisposition; Hereditary Cancer Syndrome. Identifiers: Orphanet 140162, MedGen C0027672, MeSH D009386, MONDO:0015356.
Breast-ovarian cancer, familial, susceptibility to, 2 (BROVCA2). Also called: BRCA2 Hereditary Breast and Ovarian Cancer. Identifiers: Orphanet 145, MedGen C2675520, MONDO:0012933, OMIM 612555. Disease mechanism: loss of function.
Hereditary breast ovarian cancer syndrome. Also called: BRCA1- and BRCA2-Associated Hereditary Breast and Ovarian Cancer; Hereditary breast and ovarian cancer; Breast and ovarian cancer; Hereditary breast and/or ovarian cancer syndrome; Hereditary breast and ovarian cancer syndrome; Hereditary breast and ovarian cancer syndrome (HBOC). Identifiers: Orphanet 145, MedGen C0677776, MeSH D061325, MONDO:0003582. Disease mechanism: loss of function.

Submissions (5):

Evidence-based Network for the Interpretation of Germline Mutant Alleles (ENIGMA)
Classification: Pathogenic for Breast-ovarian cancer, familial, susceptibility to, 2. Last evaluated: 2016-10-18. Review status: reviewed by expert panel. Criteria: ENIGMA BRCA1/2 Classification Criteria (2015). Collection method: curation. Allele origin: germline.
Comment: Variant allele predicted to encode a truncated non-functional protein.

Ambry Genetics
Classification: Pathogenic for Hereditary cancer-predisposing syndrome. Last evaluated: 2024-09-27. Review status: criteria provided, single submitter. Criteria: Ambry Variant Classification Scheme 2023. Collection method: clinical testing. Allele origin: germline. Not counted in ClinVar's aggregate classification.
Comment: The p.Q2499* pathogenic mutation (also known as c.7495C>T), located in coding exon 14 of the BRCA2 gene, results from a C to T substitution at nucleotide position 7495. This changes the amino acid from a glutamine to a stop codon within coding exon 14. This alteration was also identified in a large, worldwide study of BRCA1/2 mutation positive families (Rebbeck TR et al. Hum Mutat, 2018 05;39:593-620). In addition to the clinical data presented in the literature, this alteration is expected to result in loss of function by premature protein truncation or nonsense-mediated mRNA decay. As such, this alteration is interpreted as a disease-causing mutation.

GeneDx
Classification: Pathogenic. Last evaluated: 2024-05-14. Review status: criteria provided, single submitter. Criteria: GeneDx Variant Classification Process June 2021. Collection method: clinical testing. Allele origin: germline. Affected: yes. Not counted in ClinVar's aggregate classification.
Comment: Nonsense variant predicted to result in protein truncation or nonsense mediated decay in a gene for which loss of function is a known mechanism of disease; Not observed at significant frequency in large population cohorts (gnomAD); Truncating variants in this gene are considered pathogenic by a well-established clinical consortium and/or database; Observed in an individual with prostate cancer (PMID: 25111659); Also known as 7723C>T; This variant is associated with the following publications: (PMID: 27225637, 37732318, 34242281, 25111659, 29884841, 33632156, 32377563, 29446198)

Labcorp Genetics (formerly Invitae), Labcorp
Classification: Pathogenic for Hereditary breast ovarian cancer syndrome. Last evaluated: 2023-12-20. Review status: criteria provided, single submitter. Criteria: Invitae Variant Classification Sherloc (09022015). Collection method: clinical testing. Allele origin: germline. Not counted in ClinVar's aggregate classification.
Comment: This sequence change creates a premature translational stop signal (p.Gln2499*) in the BRCA2 gene. It is expected to result in an absent or disrupted protein product. Loss-of-function variants in BRCA2 are known to be pathogenic (PMID: 20104584). This variant is not present in population databases (gnomAD no frequency). This premature translational stop signal has been observed in individual(s) with breast and/or ovarian cancer (PMID: 29446198). ClinVar contains an entry for this variant (Variation ID: 267014). For these reasons, this variant has been classified as Pathogenic.

Consortium of Investigators of Modifiers of BRCA1/2 (CIMBA), c/o University of Cambridge
Classification: Pathogenic for Breast-ovarian cancer, familial, susceptibility to, 2. Last evaluated: 2015-10-02. Review status: criteria provided, single submitter. Criteria: CIMBA Mutation Classification guidelines May 2016. Collection method: clinical testing. Allele origin: germline. Not counted in ClinVar's aggregate classification.

Literature cited by the submitters: PubMed 25111659 (cited by Ambry Genetics); PubMed 29446198 (cited by Ambry Genetics and Labcorp Genetics (formerly Invitae), Labcorp); PubMed 20104584 (cited by Labcorp Genetics (formerly Invitae), Labcorp).